The following is an entry in ClinVar:

NM_000168.6(GLI3):c.3355G>T (p.Asp1119Tyr)

Gene: GLI3 (GLI family zinc finger 3; minus strand). Cytogenetic location: 7p14.1.
Variant type: single nucleotide variant.
Coding change: c.3355G>T on transcript NM_000168.6 (MANE Select); coding-DNA position 3355, G replaced by T.
Protein change: p.Asp1119Tyr; replaces aspartic acid 1119 with tyrosine.
Molecular consequence: missense variant.
Genome position (GRCh38, 1-based): chr7:41,965,718, C>A on the plus strand (G>T on the coding strand, the complement: GLI3 is on the minus strand). VCF-style: chr7-41965718-C-A. GRCh37 (hg19) VCF-style: chr7-42005316-C-A.
Other names: short protein forms D1119Y.
Identifiers: ClinVar variation 4980542 (VCV004980542.1).

ClinVar aggregate classification (germline): Uncertain significance (1 of 4 stars; one submission).

Conditions:
GLI3-related disorder. Also called: GLI3-related condition; GLI3-related disorders. Identifiers: MedGen CN239292.

gnomAD v4.1: 3 of 1,613,716 alleles (0.00019%); highest among the groups gnomAD compares: Non-Finnish European, 0.00025%; no homozygotes.

Submission:

PreventionGenetics, part of Exact Sciences
Classification: Uncertain significance for GLI3-related condition. Last evaluated: 2024-12-23. Review status: criteria provided, single submitter. Criteria: ACMG Guidelines, 2015. Collection method: clinical testing. Allele origin: germline.
Comment: The GLI3 c.3355G>T variant is predicted to result in the amino acid substitution p.Asp1119Tyr. To our knowledge, this variant has not been reported in the literature. This variant is reported in 0.00089% of alleles in individuals of European (Non-Finnish) descent in gnomAD. At this time, the clinical significance of this variant is uncertain due to the absence of conclusive functional and genetic evidence.